The following is an entry in ClinVar:

ClinVar aggregate classification (germline): Uncertain significance (1 of 4 stars; one submission).

gnomAD v4.1: 3 of 1,211,852 alleles (0.00025%); highest among the groups gnomAD compares: Non-Finnish European, 0.00033%; no homozygotes.

Submission:

Labcorp Genetics (formerly Invitae), Labcorp
Classification: Uncertain significance. Last evaluated: 2024-09-15. Review status: criteria provided, single submitter. Criteria: Invitae Variant Classification Sherloc (09022015). Collection method: clinical testing. Allele origin: germline.
Comment: This sequence change replaces glutamic acid, which is acidic and polar, with aspartic acid, which is acidic and polar, at codon 461 of the DRP2 protein (p.Glu461Asp). This variant is not present in population databases (gnomAD no frequency). This variant has not been reported in the literature in individuals affected with DRP2-related conditions. Invitae Evidence Modeling of protein sequence and biophysical properties (such as structural, functional, and spatial information, amino acid conservation, physicochemical variation, residue mobility, and thermodynamic stability) indicates that this missense variant is not expected to disrupt DRP2 protein function with a negative predictive value of 80%. In summary, the available evidence is currently insufficient to determine the role of this variant in disease. Therefore, it has been classified as a Variant of Uncertain Significance.

NM_001939.3(DRP2):c.1383A>C (p.Glu461Asp)

Gene: DRP2 (dystrophin related protein 2; plus strand). Cytogenetic location: Xq22.1.
Variant type: single nucleotide variant.
Coding change: c.1383A>C on transcript NM_001939.3 (MANE Select); coding-DNA position 1383, A replaced by C.
Protein change: p.Glu461Asp; replaces glutamic acid 461 with aspartic acid.
Molecular consequence: missense variant.
Genome position (GRCh38, 1-based): chrX:101,248,219, A>C. VCF-style: chrX-101248219-A-C. GRCh37 (hg19) VCF-style: chrX-100503208-A-C.
Other names: c.1149A>C, p.Glu383Asp (NM_001171184.2); short protein forms E383D, E461D.
Identifiers: ClinVar variation 3700243 (VCV003700243.2).